The following is an entry in ClinVar:

ClinVar aggregate classification (germline): Likely pathogenic. Review status: criteria provided, single submitter (1 of 4 stars). 2 submissions from 2 submitters: Likely pathogenic (1). 1 of the submissions does not count toward it. Last evaluated 2025-10-14.

Submissions (2):

Mayo Clinic Laboratories, Mayo Clinic
Classification: Likely pathogenic. Last evaluated: 2025-10-14. Review status: criteria provided, single submitter. Criteria: ACMG Guidelines, 2015. Collection method: clinical testing. Allele origin: germline. Observed: 1 variant allele.
Comment: PP3_moderate, PP4, PM1, PM2_supporting, PS3_supporting

GenMed Metabolism Lab
Classification: Pathogenic. Review status: no assertion criteria provided. Collection method: not provided. Allele origin: unknown. Not counted in ClinVar's aggregate classification.
ClinVar note: Converted during submission from pathogenic to Pathogenic.

Literature cited by the submitters: PubMed 11117428 (cited by Mayo Clinic Laboratories, Mayo Clinic); PubMed 37146589 (cited by Mayo Clinic Laboratories, Mayo Clinic).

NM_000531.6(OTC):c.953C>T (p.Ser318Phe)

Gene: OTC (ornithine transcarbamylase; plus strand). Cytogenetic location: Xp11.4.
Variant type: single nucleotide variant.
Coding change: c.953C>T on transcript NM_000531.6 (MANE Select); coding-DNA position 953, C replaced by T.
Protein change: p.Ser318Phe; replaces serine 318 with phenylalanine.
Molecular consequence: missense variant.
Genome position (GRCh38, 1-based): chrX:38,411,947, C>T. VCF-style: chrX-38411947-C-T. GRCh37 (hg19) VCF-style: chrX-38271200-C-T.
Other names: p.Ser318Phe; short protein forms S318F.
Identifiers: ClinVar variation 97370 (VCV000097370.3), dbSNP rs72558472, ClinGen allele CA224856.
Genomic context (GRCh38, chrX:38,411,947, plus strand): 5'-GGACATTTTTACACTGCTTGCCCAGAAAGCCAGAAGAAGTGGATGATGAAGTCTTTTATT[C>T]TCCTCGATCACTAGTGTTCCCAGAGGCAGAAAACAGAAAGTGGACAATCATGGTAAGCAA-3'
Protein context (NP_000522.3, residues 308-328): PEEVDDEVFY[Ser318Phe]PRSLVFPEAE